The following is an entry in ClinVar:

ClinVar aggregate classification (germline): Uncertain significance (1 of 4 stars; one submission).

Conditions:
Benign neonatal seizures. Also called: Benign neonatal familial convulsions; Benign familial neonatal seizures; Benign familial neonatal epilepsy; Convulsions benign familial neonatal dominant form; Autosomal dominant form of benign neonatal seizures. Identifiers: Orphanet 1949, MedGen C0220669, MONDO:0016027.

Submission:

Labcorp Genetics (formerly Invitae), Labcorp
Classification: Uncertain significance for Benign neonatal seizures. Last evaluated: 2021-06-14. Review status: criteria provided, single submitter. Criteria: Invitae Variant Classification Sherloc (09022015). Collection method: clinical testing. Allele origin: germline.
Comment: This sequence change replaces glycine with arginine at codon 633 of the KCNQ3 protein (p.Gly633Arg). The glycine residue is moderately conserved and there is a moderate physicochemical difference between glycine and arginine. In summary, the available evidence is currently insufficient to determine the role of this variant in disease. Therefore, it has been classified as a Variant of Uncertain Significance. Algorithms developed to predict the effect of missense changes on protein structure and function are either unavailable or do not agree on the potential impact of this missense change (SIFT: "Tolerated"; PolyPhen-2: "Probably Damaging"; Align-GVGD: "Class C0"). This variant has not been reported in the literature in individuals with KCNQ3-related conditions. This variant is not present in population databases (ExAC no frequency).

NM_004519.4(KCNQ3):c.1897G>A (p.Gly633Arg)

Gene: KCNQ3 (potassium voltage-gated channel subfamily Q member 3; minus strand). Cytogenetic location: 8q24.22.
Variant type: single nucleotide variant.
Coding change: c.1897G>A on transcript NM_004519.4 (MANE Select); coding-DNA position 1897, G replaced by A.
Protein change: p.Gly633Arg; replaces glycine 633 with arginine.
Molecular consequence: missense variant.
Genome position (GRCh38, 1-based): chr8:132,129,984, C>T on the plus strand (G>A on the coding strand, the complement: KCNQ3 is on the minus strand). VCF-style: chr8-132129984-C-T. GRCh37 (hg19) VCF-style: chr8-133142231-C-T.
Other names: c.1537G>A, p.Gly513Arg (NM_001204824.2); short protein forms G513R, G633R.
Identifiers: ClinVar variation 1468593 (VCV001468593.8), dbSNP rs2130924373, ClinGen allele CA372217390.